The following is an entry in ClinVar:

ClinVar aggregate classification (germline): Uncertain significance (1 of 4 stars; one submission).

gnomAD v4.1: 1 of 1,613,988 alleles (0.000062%); highest among the groups gnomAD compares: Non-Finnish European, 0.000085%; no homozygotes.

Submission:

Ambry Genetics
Classification: Uncertain significance. Last evaluated: 2025-09-06. Review status: criteria provided, single submitter. Criteria: Ambry Variant Classification Scheme 2023. Collection method: clinical testing. Allele origin: germline.
Comment: The p.P516S variant (also known as c.1546C>T), located in coding exon 1 of the TET2 gene, results from a C to T substitution at nucleotide position 1546. The proline at codon 516 is replaced by serine, an amino acid with similar properties. This amino acid position is conserved. In addition, this alteration is predicted to be tolerated by in silico analysis. Based on the available evidence, the clinical significance of this variant remains unclear.

NM_001127208.3(TET2):c.1546C>T (p.Pro516Ser)

Genes: TET2 (tet methylcytosine dioxygenase 2; plus strand), TET2-AS1 (TET2 antisense RNA 1; minus strand). Cytogenetic location: 4q24.
Variant type: single nucleotide variant.
Coding change: c.1546C>T on transcript NM_001127208.3 (MANE Select); coding-DNA position 1546, C replaced by T.
Protein change: p.Pro516Ser; replaces proline 516 with serine.
Molecular consequence: missense variant.
Genome position (GRCh38, 1-based): chr4:105,235,488, C>T. VCF-style: chr4-105235488-C-T. GRCh37 (hg19) VCF-style: chr4-106156645-C-T.
Other names: c.1546C>T, p.Pro516Ser (NM_017628.4); short protein forms P516S.
Identifiers: ClinVar variation 4183059 (VCV004183059.1).